The following is an entry in ClinVar:

NM_206933.4(USH2A):c.4697A>G (p.Gln1566Arg)

Gene: USH2A (usherin; minus strand). Cytogenetic location: 1q41.
Variant type: single nucleotide variant.
Coding change: c.4697A>G on transcript NM_206933.4 (MANE Select); coding-DNA position 4697, A replaced by G.
Protein change: p.Gln1566Arg; replaces glutamine 1566 with arginine.
Molecular consequence: missense variant.
Genome position (GRCh38, 1-based): chr1:216,097,144, T>C on the plus strand (A>G on the coding strand, the complement: USH2A is on the minus strand). VCF-style: chr1-216097144-T-C. GRCh37 (hg19) VCF-style: chr1-216270486-T-C.
Other names: short protein forms Q1566R.
Identifiers: ClinVar variation 856426 (VCV000856426.8), dbSNP rs376314751, ClinGen allele CA1395648.
Genomic context (GRCh38, chr1:216,097,144, plus strand): 5'-TGAGGATCAAAAAGAAAATAAAGACGTCCCTTCTTCAACTGAAGTGCAAAATACTCTTCC[T>C]GATTGCCAGGTGATGCTGCAAAGACAATCAAACCTTCAGGCACTTTTGTTCGAAAGCTGG-3'
Protein context (NP_996816.3, residues 1556-1576): LIVFAASPGN[Gln1566Arg]EEYFALQLKK

ClinVar aggregate classification (germline): Uncertain significance. Review status: criteria provided, multiple submitters, no conflicts (2 of 4 stars). 7 submissions from 6 submitters: Uncertain significance (6). 1 of the submissions does not count toward it. Last evaluated 2023-11-04.

Conditions:
Retinitis pigmentosa 39 (RP39). Identifiers: Orphanet 791, MedGen C3151138, MONDO:0013436, OMIM 613809.
Inborn genetic diseases. Identifiers: MedGen C0950123, MeSH D030342.
Usher syndrome type 2A. Also called: RETINAL DISEASE IN USHER SYNDROME TYPE IIA, MODIFIER OF; USHER SYNDROME, TYPE IIA. Identifiers: Orphanet 231178, Orphanet 886, MedGen C1848634, MONDO:0010169, OMIM 276901.

Allele frequency attached by ClinVar (database versions not stated): ExAC 0.00004; gnomAD exomes 0.00006 and 0.00015; TOPMed 0.00007; gnomAD 0.00012 and 0.00013; ESP Exome Variant Server 0.00023.
gnomAD v4.1: 227 of 1,614,042 alleles (0.014%); highest among the groups gnomAD compares: Non-Finnish European, 0.018%; no homozygotes.

Submissions (7):

Genome-Nilou Lab
Classification: Uncertain significance for Retinitis pigmentosa 39. Last evaluated: 2023-11-04. Review status: criteria provided, single submitter. Criteria: ACMG Guidelines, 2015. Collection method: clinical testing. Allele origin: germline. Affected: no.

Genome-Nilou Lab
Classification: Uncertain significance for Usher syndrome type 2A. Last evaluated: 2023-11-04. Review status: criteria provided, single submitter. Criteria: ACMG Guidelines, 2015. Collection method: clinical testing. Allele origin: germline. Affected: no.

Ambry Genetics
Classification: Uncertain significance for Inborn genetic diseases. Last evaluated: 2023-01-06. Review status: criteria provided, single submitter. Criteria: Ambry Variant Classification Scheme 2023. Collection method: clinical testing. Allele origin: germline.

Labcorp Genetics (formerly Invitae), Labcorp
Classification: Uncertain significance. Last evaluated: 2022-10-05. Review status: criteria provided, single submitter. Criteria: Invitae Variant Classification Sherloc (09022015). Collection method: clinical testing. Allele origin: germline.
Comment: This sequence change replaces glutamine, which is neutral and polar, with arginine, which is basic and polar, at codon 1566 of the USH2A protein (p.Gln1566Arg). This variant is present in population databases (rs376314751, gnomAD 0.02%). This variant has not been reported in the literature in individuals affected with USH2A-related conditions. ClinVar contains an entry for this variant (Variation ID: 856426). Algorithms developed to predict the effect of missense changes on protein structure and function (SIFT, PolyPhen-2, Align-GVGD) all suggest that this variant is likely to be disruptive. In summary, the available evidence is currently insufficient to determine the role of this variant in disease. Therefore, it has been classified as a Variant of Uncertain Significance.

Blueprint Genetics
Classification: Uncertain significance. Last evaluated: 2022-01-07. Review status: criteria provided, single submitter. Criteria: ACMG Guidelines, 2015. Collection method: clinical testing. Allele origin: germline.

Baylor Genetics
Classification: Uncertain significance for Retinitis pigmentosa 39. Last evaluated: 2020-12-18. Review status: criteria provided, single submitter. Criteria: ACMG Guidelines, 2015. Collection method: clinical testing. Allele origin: unknown. Affected: yes.
Comment: This variant was determined to be of uncertain significance according to ACMG Guidelines, 2015 [PMID:25741868].

Natera, Inc.
Classification: Uncertain significance for Usher syndrome type 2A. Last evaluated: 2020-01-17. Review status: no assertion criteria provided. Collection method: clinical testing. Allele origin: germline. Not counted in ClinVar's aggregate classification.